The following is an entry in ClinVar:

NM_032043.3(BRIP1):c.3334G>A (p.Asp1112Asn)

Gene: BRIP1 (BRCA1 interacting DNA helicase 1; minus strand). Cytogenetic location: 17q23.2.
Variant type: single nucleotide variant.
Coding change: c.3334G>A on transcript NM_032043.3 (MANE Select); coding-DNA position 3334, G replaced by A.
Protein change: p.Asp1112Asn; replaces aspartic acid 1112 with asparagine.
Molecular consequence: missense variant.
Genome position (GRCh38, 1-based): chr17:61,683,712, C>T on the plus strand (G>A on the coding strand, the complement: BRIP1 is on the minus strand). VCF-style: chr17-61683712-C-T. GRCh37 (hg19) VCF-style: chr17-59761073-C-T.
Other names: short protein forms D1112N.
Identifiers: ClinVar variation 407843 (VCV000407843.15), dbSNP rs968860042, ClinGen allele CA16615474.

ClinVar aggregate classification (germline): Uncertain significance. Review status: criteria provided, multiple submitters, no conflicts (2 of 4 stars). 2 submissions from 2 submitters: Uncertain significance (2). Last evaluated 2024-08-17.

Conditions:
Hereditary cancer-predisposing syndrome. Also called: Hereditary neoplastic syndrome; Neoplastic Syndromes, Hereditary; Tumor predisposition; Hereditary Cancer Syndrome. Identifiers: Orphanet 140162, MedGen C0027672, MeSH D009386, MONDO:0015356.
Familial cancer of breast. Also called: Hereditary breast cancer; hereditary breast carcinoma; BREAST CANCER, FAMILIAL. Identifiers: Orphanet 227535, MedGen C0346153, MONDO:0016419, OMIM 114480. Disease mechanism: loss of function.
Fanconi anemia complementation group J. Also called: BRIP1-Related Fanconi Anemia. Identifiers: Orphanet 84, MedGen C1836860, MONDO:0012187, OMIM 609054.

Submissions (2):

Ambry Genetics
Classification: Uncertain significance for Hereditary cancer-predisposing syndrome. Last evaluated: 2024-08-17. Review status: criteria provided, single submitter. Criteria: Ambry Variant Classification Scheme 2023. Collection method: clinical testing. Allele origin: germline.
Comment: The p.D1112N variant (also known as c.3334G>A), located in coding exon 19 of the BRIP1 gene, results from a G to A substitution at nucleotide position 3334. The aspartic acid at codon 1112 is replaced by asparagine, an amino acid with highly similar properties. This amino acid position is poorly conserved in available vertebrate species. In addition, this alteration is predicted to be tolerated by in silico analysis. Since supporting evidence is limited at this time, the clinical significance of this alteration remains unclear.

Labcorp Genetics (formerly Invitae), Labcorp
Classification: Uncertain significance for Familial cancer of breast; Fanconi anemia complementation group J. Last evaluated: 2021-05-19. Review status: criteria provided, single submitter. Criteria: Invitae Variant Classification Sherloc (09022015). Collection method: clinical testing. Allele origin: germline.
Comment: In summary, the available evidence is currently insufficient to determine the role of this variant in disease. Therefore, it has been classified as a Variant of Uncertain Significance. Algorithms developed to predict the effect of missense changes on protein structure and function (SIFT, PolyPhen-2, Align-GVGD) all suggest that this variant is likely to be tolerated, but these predictions have not been confirmed by published functional studies and their clinical significance is uncertain. This variant has not been reported in the literature in individuals with BRIP1-related conditions. This variant is not present in population databases (ExAC no frequency). This sequence change replaces aspartic acid with asparagine at codon 1112 of the BRIP1 protein (p.Asp1112Asn). The aspartic acid residue is weakly conserved and there is a small physicochemical difference between aspartic acid and asparagine.